The following is an entry in ClinVar:

ClinVar aggregate classification (germline): Uncertain significance (1 of 4 stars; one submission).

Conditions:
Hereditary cancer-predisposing syndrome. Also called: Tumor predisposition; Hereditary neoplastic syndrome; Hereditary Cancer Syndrome; Neoplastic Syndromes, Hereditary. Identifiers: Orphanet 140162, MedGen C0027672, MeSH D009386, MONDO:0015356.

Submission:

Ambry Genetics
Classification: Uncertain significance for Hereditary cancer-predisposing syndrome. Last evaluated: 2025-04-06. Review status: criteria provided, single submitter. Criteria: Ambry Variant Classification Scheme 2023. Collection method: clinical testing. Allele origin: germline.
Comment: The p.Y249S variant (also known as c.746A>C), located in coding exon 4 of the PDGFRA gene, results from an A to C substitution at nucleotide position 746. The tyrosine at codon 249 is replaced by serine, an amino acid with dissimilar properties. This amino acid position is conserved. In addition, this alteration is predicted to be deleterious by in silico analysis. Based on the available evidence, the clinical significance of this variant remains unclear.

NM_006206.6(PDGFRA):c.746A>C (p.Tyr249Ser)

Gene: PDGFRA (platelet derived growth factor receptor alpha; plus strand). Cytogenetic location: 4q12.
Variant type: single nucleotide variant.
Coding change: c.746A>C on transcript NM_006206.6 (MANE Select); coding-DNA position 746, A replaced by C.
Protein change: p.Tyr249Ser; replaces tyrosine 249 with serine.
Molecular consequence: missense variant.
Genome position (GRCh38, 1-based): chr4:54,265,036, A>C. VCF-style: chr4-54265036-A-C. GRCh37 (hg19) VCF-style: chr4-55131203-A-C.
Other names: c.746A>C, p.Tyr249Ser (NM_001347827.2, NM_001347829.2); c.821A>C, p.Tyr274Ser (NM_001347828.2); c.785A>C, p.Tyr262Ser (NM_001347830.2); short protein forms Y249S, Y262S, Y274S.
Identifiers: ClinVar variation 3930200 (VCV003930200.1).